The following is an entry in ClinVar:

ClinVar aggregate classification (germline): Uncertain significance (1 of 4 stars; one submission).

Allele frequency attached by ClinVar (database versions not stated): TOPMed below 0.00001; gnomAD 0.00001.
gnomAD v4.1: 1 of 1,614,034 alleles (0.000062%); highest among the groups gnomAD compares: Non-Finnish European, 0.000085%; no homozygotes.

Submission:

GeneDx
Classification: Uncertain significance. Last evaluated: 2023-02-09. Review status: criteria provided, single submitter. Criteria: GeneDx Variant Classification Process June 2021. Collection method: clinical testing. Allele origin: germline.
Comment: Has not been previously published as pathogenic or benign to our knowledge; Not observed at significant frequency in large population cohorts (gnomAD); In silico analysis supports that this missense variant has a deleterious effect on protein structure/function

NM_053025.4(MYLK):c.5273T>C (p.Leu1758Pro)

Genes: MYLK (myosin light chain kinase; minus strand), MYLK-AS1 (MYLK antisense RNA 1; plus strand). Cytogenetic location: 3q21.1.
Variant type: single nucleotide variant.
Coding change: c.5273T>C on transcript NM_053025.4 (MANE Select); coding-DNA position 5273, T replaced by C.
Protein change: p.Leu1758Pro; replaces leucine 1758 with proline.
Molecular consequence: missense variant. On other transcripts: 5 prime UTR variant (2).
Genome position (GRCh38, 1-based): chr3:123,620,302, A>G on the plus strand (T>C on the coding strand, the complement: MYLK is on the minus strand). VCF-style: chr3-123620302-A-G. GRCh37 (hg19) VCF-style: chr3-123339149-A-G.
Other names: c.4745T>C, p.Leu1582Pro (NM_001321309.2); c.5066T>C, p.Leu1689Pro (NM_053026.4); c.5120T>C, p.Leu1707Pro (NM_053027.4); c.4913T>C, p.Leu1638Pro (NM_053028.4); c.-8T>C (NM_053031.4, NM_053032.4); short protein forms L1582P, L1638P, L1689P, L1707P, L1758P.
Identifiers: ClinVar variation 1800889 (VCV001800889.2), dbSNP rs1393384583, ClinGen allele CA354231683.